The following is an entry in ClinVar:

ClinVar aggregate classification (germline): Uncertain significance (1 of 4 stars; one submission).

Conditions:
Developmental and epileptic encephalopathy, 32 (DEE32). Also called: Epileptic encephalopathy, early infantile, 32. Identifiers: Orphanet 442835, MedGen C4225350, MONDO:0014607, OMIM 616366.

Submission:

Labcorp Genetics (formerly Invitae), Labcorp
Classification: Uncertain significance for Developmental and epileptic encephalopathy, 32. Last evaluated: 2023-06-07. Review status: criteria provided, single submitter. Criteria: Invitae Variant Classification Sherloc (09022015). Collection method: clinical testing. Allele origin: germline.
Comment: This variant has not been reported in the literature in individuals affected with KCNA2-related conditions. In summary, the available evidence is currently insufficient to determine the role of this variant in disease. Therefore, it has been classified as a Variant of Uncertain Significance. This variant disrupts the p.Leu404 amino acid residue in KCNA2. Other variant(s) that disrupt this residue have been determined to be pathogenic (Invitae). This suggests that this residue is clinically significant, and that variants that disrupt this residue are likely to be disease-causing. Advanced modeling of protein sequence and biophysical properties (such as structural, functional, and spatial information, amino acid conservation, physicochemical variation, residue mobility, and thermodynamic stability) performed at Invitae indicates that this missense variant is expected to disrupt KCNA2 protein function. This variant is not present in population databases (gnomAD no frequency). This sequence change replaces leucine, which is neutral and non-polar, with serine, which is neutral and polar, at codon 404 of the KCNA2 protein (p.Leu404Ser).

NM_004974.4(KCNA2):c.1211T>C (p.Leu404Ser)

Gene: KCNA2 (potassium voltage-gated channel subfamily A member 2; minus strand). Cytogenetic location: 1p13.3.
Variant type: single nucleotide variant.
Coding change: c.1211T>C on transcript NM_004974.4 (MANE Select); coding-DNA position 1211, T replaced by C.
Protein change: p.Leu404Ser; replaces leucine 404 with serine.
Molecular consequence: missense variant. On other transcripts: intron variant (1).
Genome position (GRCh38, 1-based): chr1:110,603,572, A>G on the plus strand (T>C on the coding strand, the complement: KCNA2 is on the minus strand). VCF-style: chr1-110603572-A-G. GRCh37 (hg19) VCF-style: chr1-111146194-A-G.
Other names: c.894+317T>C (NM_001204269.2); short protein forms L404S.
Identifiers: ClinVar variation 2749367 (VCV002749367.3), dbSNP rs2524616252, ClinGen allele CA341601315.